The following is an entry in ClinVar:

ClinVar aggregate classification (germline): Uncertain significance (1 of 4 stars; one submission).

Conditions:
ADAM17-related disorder. Also called: ADAM17-related condition.

gnomAD v4.1: 4 of 1,613,938 alleles (0.00025%); highest among the groups gnomAD compares: Middle Eastern, 0.016%; no homozygotes.

Submission:

PreventionGenetics, part of Exact Sciences
Classification: Uncertain significance for ADAM17-related condition. Last evaluated: 2025-06-02. Review status: criteria provided, single submitter. Criteria: ACMG Guidelines, 2015. Collection method: clinical testing. Allele origin: germline.
Comment: The ADAM17 c.2261T>G variant is predicted to result in the amino acid substitution p.Leu754Arg. This variant was reported in the compound heterozygous state with a second ADAM17 variant in an individual with atrioventricular septal defect (described as p.L97R, Priest et al. 2016. PubMed ID: 27058611). This variant is reported in 0.00088% of alleles in individuals of European (Non-Finnish) descent in gnomAD. At this time, the clinical significance of this variant is uncertain due to the absence of conclusive functional and genetic evidence.

NM_003183.6(ADAM17):c.2261T>G (p.Leu754Arg)

Genes: ADAM17 (ADAM metallopeptidase domain 17; minus strand), IAH1 (isoamyl acetate hydrolyzing esterase 1 (putative); plus strand). Cytogenetic location: 2p25.1.
Variant type: single nucleotide variant.
Coding change: c.2261T>G on transcript NM_003183.6 (MANE Select); coding-DNA position 2261, T replaced by G.
Protein change: p.Leu754Arg; replaces leucine 754 with arginine.
Molecular consequence: missense variant.
Genome position (GRCh38, 1-based): chr2:9,490,391, A>C on the plus strand (T>G on the coding strand, the complement: ADAM17 is on the minus strand). VCF-style: chr2-9490391-A-C. GRCh37 (hg19) VCF-style: chr2-9630520-A-C.
Other names: c.1601T>G, p.Leu534Arg (NM_001382777.1); c.1364T>G, p.Leu455Arg (NM_001382778.1); short protein forms L455R, L534R, L754R.
Identifiers: ClinVar variation 4998412 (VCV004998412.1).